The following is an entry in ClinVar:

NM_002878.4(RAD51D):c.896C>T (p.Ser299Phe)

Genes: RAD51D (RAD51 paralog D; minus strand), RAD51L3-RFFL (RAD51L3-RFFL readthrough; minus strand). Cytogenetic location: 17q12.
Variant type: single nucleotide variant.
Coding change: c.896C>T on transcript NM_002878.4 (MANE Select); coding-DNA position 896, C replaced by T.
Protein change: p.Ser299Phe; replaces serine 299 with phenylalanine.
Molecular consequence: missense variant. On other transcripts: non-coding transcript variant (3).
Genome position (GRCh38, 1-based): chr17:35,101,208, G>A on the plus strand (C>T on the coding strand, the complement: RAD51D is on the minus strand). VCF-style: chr17-35101208-G-A. GRCh37 (hg19) VCF-style: chr17-33428227-G-A.
Other names: c.956C>T, p.Ser319Phe (NM_001142571.2); c.560C>T, p.Ser187Phe (NM_133629.3); short protein forms S187F, S319F, S299F.
Identifiers: ClinVar variation 926859 (VCV000926859.6), dbSNP rs1379526157, ClinGen allele CA399086262.

ClinVar aggregate classification (germline): Uncertain significance. Review status: criteria provided, multiple submitters, no conflicts (2 of 4 stars). 2 submissions from 2 submitters: Uncertain significance (2). Last evaluated 2023-12-04.

Conditions:
Hereditary cancer-predisposing syndrome. Also called: Neoplastic Syndromes, Hereditary; Tumor predisposition; Hereditary Cancer Syndrome; Hereditary neoplastic syndrome. Identifiers: Orphanet 140162, MedGen C0027672, MeSH D009386, MONDO:0015356.

Allele frequency attached by ClinVar (database versions not stated): gnomAD exomes below 0.00001.
gnomAD v4.1: 2 of 1,614,138 alleles (0.00012%); highest among the groups gnomAD compares: South Asian, 0.0022%; no homozygotes.

Submissions (2):

Color Diagnostics, LLC DBA Color Health
Classification: Uncertain significance for Hereditary cancer-predisposing syndrome. Last evaluated: 2023-12-04. Review status: criteria provided, single submitter. Criteria: ACMG Guidelines, 2015. Collection method: clinical testing. Allele origin: germline.
Comment: This missense variant replaces serine with phenylalanine at codon 299 of the RAD51D protein. Computational prediction suggests that this variant may not impact protein structure and function (internally defined REVEL score threshold <= 0.5, PMID: 27666373). To our knowledge, functional studies have not been reported for this variant. This variant has not been reported in individuals affected with RAD51D-related disorders in the literature. This variant has been identified in 1/251390 chromosomes in the general population by the Genome Aggregation Database (gnomAD). The available evidence is insufficient to determine the role of this variant in disease conclusively. Therefore, this variant is classified as a Variant of Uncertain Significance.

Ambry Genetics
Classification: Uncertain significance for Hereditary cancer-predisposing syndrome. Last evaluated: 2023-04-27. Review status: criteria provided, single submitter. Criteria: Ambry Variant Classification Scheme 2023. Collection method: clinical testing. Allele origin: germline.
Comment: The p.S299F variant (also known as c.896C>T), located in coding exon 9 of the RAD51D gene, results from a C to T substitution at nucleotide position 896. The serine at codon 299 is replaced by phenylalanine, an amino acid with highly dissimilar properties. This amino acid position is conserved. In addition, this alteration is predicted to be tolerated by in silico analysis. Since supporting evidence is limited at this time, the clinical significance of this alteration remains unclear.